The following is an entry in ClinVar:

ClinVar aggregate classification (germline): Uncertain significance (1 of 4 stars; one submission).

Conditions:
Angelman syndrome (AS). Also called: HAPPY PUPPET SYNDROME. Identifiers: Orphanet 72, MedGen C0162635, MONDO:0007113, OMIM 105830. Disease mechanism: loss of function. Inheritance: AS is caused by disruption of maternally imprinted UBE3A located within the 15q11.2-q13 Angelman syndrome/Prader-Willi syndrome (AS/PWS) region., imprinting disorder.

Submission:

Labcorp Genetics (formerly Invitae), Labcorp
Classification: Uncertain significance for Angelman syndrome. Last evaluated: 2024-01-02. Review status: criteria provided, single submitter. Criteria: Invitae Variant Classification Sherloc (09022015). Collection method: clinical testing. Allele origin: germline.
Comment: This sequence change replaces asparagine, which is neutral and polar, with serine, which is neutral and polar, at codon 235 of the UBE3A protein (p.Asn235Ser). This variant is not present in population databases (gnomAD no frequency). This variant has not been reported in the literature in individuals affected with UBE3A-related conditions. Advanced modeling of protein sequence and biophysical properties (such as structural, functional, and spatial information, amino acid conservation, physicochemical variation, residue mobility, and thermodynamic stability) has been performed at Invitae for this missense variant, however the output from this modeling did not meet the statistical confidence thresholds required to predict the impact of this variant on UBE3A protein function. In summary, the available evidence is currently insufficient to determine the role of this variant in disease. Therefore, it has been classified as a Variant of Uncertain Significance.

NM_130839.5(UBE3A):c.764A>G (p.Asn255Ser)

Genes: SNHG14 (small nucleolar RNA host gene 14; plus strand), UBE3A (ubiquitin protein ligase E3A; minus strand). Cytogenetic location: 15q11.2.
Variant type: single nucleotide variant.
Coding change: c.764A>G on transcript NM_130839.5 (MANE Select); coding-DNA position 764, A replaced by G.
Protein change: p.Asn255Ser; replaces asparagine 255 with serine.
Molecular consequence: missense variant. On other transcripts: non-coding transcript variant (1), intron variant (2).
Genome position (GRCh38, 1-based): chr15:25,371,410, T>C on the plus strand (A>G on the coding strand, the complement: UBE3A is on the minus strand). VCF-style: chr15-25371410-T-C. GRCh37 (hg19) VCF-style: chr15-25616557-T-C.
Other names: c.773A>G, p.Asn258Ser (NM_000462.5); c.764A>G, p.Asn255Ser (NM_001354505.1, NM_001354538.2, NM_001354545.2); c.704A>G, p.Asn235Ser (NM_001354506.2, NM_001354507.2, NM_001354508.2 and 17 more transcripts); c.301+4055A>G (NM_001354551.2); c.361+4055A>G (NM_001354550.2); c.587A>G, p.Asn196Ser (NM_001354546.2); short protein forms N235S, N196S, N255S, N258S.
Identifiers: ClinVar variation 2811408 (VCV002811408.3), dbSNP rs2552191718, ClinGen allele CA391355124.